The following is an entry in ClinVar:

ClinVar aggregate classification (germline): Likely benign (0 of 4 stars; one submission).

Conditions:
C8G-related disorder. Also called: C8G-related condition.

Allele frequency attached by ClinVar (database versions not stated): ESP Exome Variant Server 0.00016; TOPMed 0.00022.

Submission:

PreventionGenetics, part of Exact Sciences
Classification: Likely benign for C8G-related condition. Last evaluated: 2019-06-05. Review status: no assertion criteria provided. Collection method: clinical testing. Allele origin: germline.
Comment: This variant is classified as likely benign based on ACMG/AMP sequence variant interpretation guidelines (Richards et al. 2015 PMID: 25741868, with internal and published modifications).

NM_000606.3(C8G):c.276-10G>A

Gene: C8G (complement C8 gamma chain; plus strand). Cytogenetic location: 9q34.3.
Variant type: single nucleotide variant.
Coding change: c.276-10G>A on transcript NM_000606.3 (MANE Select); 10 bases into the intron before coding-DNA position 276, G replaced by A.
Molecular consequence: intron variant.
Genome position (GRCh38, 1-based): chr9:136,945,919, G>A. VCF-style: chr9-136945919-G-A. GRCh37 (hg19) VCF-style: chr9-139840371-G-A.
Identifiers: ClinVar variation 3044877 (VCV003044877.2), dbSNP rs368418975, ClinGen allele CA5351567.
Genomic context (GRCh38, chr9:136,945,919, plus strand): 5'-GGCTGTGGCCTGGACTAGGATTCCTGGTTGGGGTCTCCCAGCCTGTGGTGCCTCCTCCCC[G>A]CCCCCCCAGGGATGGGATCTGCTGGCAGGTGCGCCAGCTCTATGGAGACACAGGGGTCCT-3'